The following is an entry in ClinVar:

ClinVar aggregate classification (germline): Likely pathogenic (1 of 4 stars; one submission).

Submission:

Labcorp Genetics (formerly Invitae), Labcorp
Classification: Likely pathogenic. Last evaluated: 2024-12-18. Review status: criteria provided, single submitter. Criteria: Invitae Variant Classification Sherloc (09022015). Collection method: clinical testing. Allele origin: germline.
Comment: This sequence change replaces glycine, which is neutral and non-polar, with valine, which is neutral and non-polar, at codon 1152 of the COL2A1 protein (p.Gly1152Val). This variant is not present in population databases (gnomAD no frequency). This missense change has been observed in individual(s) with clinical features of COL2A1-related conditions (PMID: 37141942). Invitae Evidence Modeling of protein sequence and biophysical properties (such as structural, functional, and spatial information, amino acid conservation, physicochemical variation, residue mobility, and thermodynamic stability) indicates that this missense variant is expected to disrupt COL2A1 protein function with a positive predictive value of 95%. This variant disrupts the triple helix domain of COL2A1. Glycine residues within the Gly-Xaa-Yaa repeats of the triple helix domain are required for the structure and stability of fibrillar collagens (PMID: 7695699, 8218237, 19344236). In COL2A1, variants affecting these glycine residues are significantly enriched in individuals with disease (PMID: 9016532, 17078022) compared to the general population (ExAC). In summary, the currently available evidence indicates that the variant is pathogenic, but additional data are needed to prove that conclusively. Therefore, this variant has been classified as Likely Pathogenic.

Literature cited by the submitters: PubMed 37141942; PubMed 7695699; PubMed 8218237; PubMed 19344236; PubMed 9016532; PubMed 17078022.

NM_001844.5(COL2A1):c.3455G>T (p.Gly1152Val)

Gene: COL2A1 (collagen type II alpha 1 chain; minus strand). Cytogenetic location: 12q13.11.
Variant type: single nucleotide variant.
Coding change: c.3455G>T on transcript NM_001844.5 (MANE Select); coding-DNA position 3455, G replaced by T.
Protein change: p.Gly1152Val; replaces glycine 1152 with valine.
Molecular consequence: missense variant.
Genome position (GRCh38, 1-based): chr12:47,976,548, C>A on the plus strand (G>T on the coding strand, the complement: COL2A1 is on the minus strand). VCF-style: chr12-47976548-C-A. GRCh37 (hg19) VCF-style: chr12-48370331-C-A.
Other names: c.3248G>T, p.Gly1083Val (NM_033150.3); short protein forms G1083V, G1152V.
Identifiers: ClinVar variation 3720370 (VCV003720370.2).